The following is an entry in ClinVar:

ClinVar aggregate classification (germline): Uncertain significance. Review status: criteria provided, multiple submitters, no conflicts (2 of 4 stars). 2 submissions from 2 submitters: Uncertain significance (2). Last evaluated 2025-12-08.

Conditions:
Multiple endocrine neoplasia, type 2 (MEN2). Identifiers: Orphanet 653, MedGen C4048306, MONDO:0019003. Disease mechanism: gain of function.

Submissions (2):

Labcorp Genetics (formerly Invitae), Labcorp
Classification: Uncertain significance for Multiple endocrine neoplasia, type 2. Last evaluated: 2025-12-08. Review status: criteria provided, single submitter. Criteria: Invitae Variant Classification Sherloc (09022015). Collection method: clinical testing. Allele origin: germline.
Comment: This sequence change replaces leucine, which is neutral and non-polar, with proline, which is neutral and non-polar, at codon 697 of the RET protein (p.Leu697Pro). This variant is not present in population databases (gnomAD no frequency). This variant has not been reported in the literature in individuals affected with RET-related conditions. ClinVar contains an entry for this variant (Variation ID: 1479159). An algorithm developed to predict the effect of missense changes on protein structure and function (PolyPhen-2) suggests that this variant is likely to be disruptive. In summary, the available evidence is currently insufficient to determine the role of this variant in disease. Therefore, it has been classified as a Variant of Uncertain Significance.

Mendelics
Classification: Uncertain significance. Last evaluated: 2022-05-04. Review status: criteria provided, single submitter. Criteria: Mendelics Assertion Criteria 2019. Collection method: clinical testing. Allele origin: germline.

NM_020975.6(RET):c.2090T>C (p.Leu697Pro)

Gene: RET (ret proto-oncogene; plus strand). Cytogenetic location: 10q11.21.
Variant type: single nucleotide variant.
Coding change: c.2090T>C on transcript NM_020975.6 (MANE Select); coding-DNA position 2090, T replaced by C.
Protein change: p.Leu697Pro; replaces leucine 697 with proline.
Molecular consequence: missense variant.
Genome position (GRCh38, 1-based): chr10:43,114,690, T>C. VCF-style: chr10-43114690-T-C. GRCh37 (hg19) VCF-style: chr10-43610138-T-C.
Other names: c.2090T>C, p.Leu697Pro (NM_000323.2, NM_001406743.1, NM_001406744.1 and 4 more transcripts); c.1328T>C, p.Leu443Pro (NM_001355216.2); c.1961T>C, p.Leu654Pro (NM_001406761.1, NM_001406762.1, NM_001406764.1); c.1955T>C, p.Leu652Pro (NM_001406763.1, NM_001406765.1); c.1802T>C, p.Leu601Pro (NM_001406766.1, NM_001406767.1, NM_001406770.1); c.1826T>C, p.Leu609Pro (NM_001406768.1); c.1694T>C, p.Leu565Pro (NM_001406769.1, NM_001406772.1); c.1652T>C, p.Leu551Pro (NM_001406771.1, NM_001406773.1); and 10 more; short protein forms L443P, L697P, L353P, L358P, L455P, L601P, L262P, L355P.
Identifiers: ClinVar variation 1479159 (VCV001479159.8), dbSNP rs1293039001, ClinGen allele CA376553287.